The following is an entry in ClinVar:

NM_001372.4(DNAH9):c.6702G>T (p.Trp2234Cys)

Gene: DNAH9 (dynein axonemal heavy chain 9; plus strand). Cytogenetic location: 17p12.
Variant type: single nucleotide variant.
Coding change: c.6702G>T on transcript NM_001372.4 (MANE Select); coding-DNA position 6702, G replaced by T.
Protein change: p.Trp2234Cys; replaces tryptophan 2234 with cysteine.
Molecular consequence: missense variant.
Genome position (GRCh38, 1-based): chr17:11,752,924, G>T. VCF-style: chr17-11752924-G-T. GRCh37 (hg19) VCF-style: chr17-11656241-G-T.
Other names: short protein forms W2234C.
Identifiers: ClinVar variation 3651150 (VCV003651150.2).

ClinVar aggregate classification (germline): Uncertain significance (1 of 4 stars; one submission).

Submission:

Labcorp Genetics (formerly Invitae), Labcorp
Classification: Uncertain significance. Last evaluated: 2024-04-25. Review status: criteria provided, single submitter. Criteria: Invitae Variant Classification Sherloc (09022015). Collection method: clinical testing. Allele origin: germline.
Comment: This sequence change replaces tryptophan, which is neutral and slightly polar, with cysteine, which is neutral and slightly polar, at codon 2234 of the DNAH9 protein (p.Trp2234Cys). This variant is not present in population databases (gnomAD no frequency). This variant has not been reported in the literature in individuals affected with DNAH9-related conditions. Advanced modeling of protein sequence and biophysical properties (such as structural, functional, and spatial information, amino acid conservation, physicochemical variation, residue mobility, and thermodynamic stability) performed at Invitae indicates that this missense variant is expected to disrupt DNAH9 protein function with a positive predictive value of 80%. In summary, the available evidence is currently insufficient to determine the role of this variant in disease. Therefore, it has been classified as a Variant of Uncertain Significance.